The following is an entry in ClinVar:

NM_001042424.3(NSD2):c.863G>T (p.Gly288Val)

Gene: NSD2 (nuclear receptor binding SET domain protein 2; plus strand). Cytogenetic location: 4p16.3.
Variant type: single nucleotide variant.
Coding change: c.863G>T on transcript NM_001042424.3 (MANE Select); coding-DNA position 863, G replaced by T.
Protein change: p.Gly288Val; replaces glycine 288 with valine.
Molecular consequence: missense variant.
Genome position (GRCh38, 1-based): chr4:1,916,973, G>T. VCF-style: chr4-1916973-G-T. GRCh37 (hg19) VCF-style: chr4-1918700-G-T.
Other names: c.863G>T, p.Gly288Val (NM_007331.2, NM_133330.3, NM_133331.3 and 2 more transcripts); short protein forms G288V.
Identifiers: ClinVar variation 2792446 (VCV002792446.3), dbSNP rs754805178, ClinGen allele CA356001958.
Genomic context (GRCh38, chr4:1,916,973, plus strand): 5'-GTGACGCCCCAGAAAGAGCTTGGATATTTGAGAAGAGCCTCGTAGCTTTTGAAGGAGAAG[G>T]ACAGTTTGAAAAATTATGCCAGGAAAGTGCCAAGCAGGCACCCACGAAAGCTGAGAAAAT-3'
Protein context (NP_001035889.1, residues 278-298): EKSLVAFEGE[Gly288Val]QFEKLCQESA

ClinVar aggregate classification (germline): Uncertain significance (1 of 4 stars; one submission).

gnomAD v4.1: 5 of 1,614,102 alleles (0.00031%); highest among the groups gnomAD compares: South Asian, 0.0055%; no homozygotes.

Submission:

Labcorp Genetics (formerly Invitae), Labcorp
Classification: Uncertain significance. Last evaluated: 2023-04-09. Review status: criteria provided, single submitter. Criteria: Invitae Variant Classification Sherloc (09022015). Collection method: clinical testing. Allele origin: germline.
Comment: In summary, the available evidence is currently insufficient to determine the role of this variant in disease. Therefore, it has been classified as a Variant of Uncertain Significance. An algorithm developed to predict the effect of missense changes on protein structure and function (PolyPhen-2) suggests that this variant is likely to be disruptive. This variant has not been reported in the literature in individuals affected with WHSC1-related conditions. This variant is not present in population databases (gnomAD no frequency). This sequence change replaces glycine, which is neutral and non-polar, with valine, which is neutral and non-polar, at codon 288 of the WHSC1 protein (p.Gly288Val).